The following is an entry in ClinVar:

ClinVar aggregate classification (germline): Pathogenic. Review status: reviewed by expert panel (3 of 4 stars). 14 submissions from 14 submitters: Pathogenic (1). 13 of the submissions do not count toward it. Last evaluated 2015-08-10.

Conditions:
Hereditary cancer-predisposing syndrome. Also called: Tumor predisposition; Neoplastic Syndromes, Hereditary; Hereditary Cancer Syndrome; Hereditary neoplastic syndrome. Identifiers: Orphanet 140162, MedGen C0027672, MeSH D009386, MONDO:0015356.
Hereditary breast ovarian cancer syndrome. Also called: Hereditary breast and ovarian cancer syndrome (HBOC); Hereditary breast and ovarian cancer syndrome; Hereditary breast and ovarian cancer; Hereditary breast and/or ovarian cancer syndrome; Breast and ovarian cancer; BRCA1- and BRCA2-Associated Hereditary Breast and Ovarian Cancer. Identifiers: Orphanet 145, MedGen C0677776, MeSH D061325, MONDO:0003582. Disease mechanism: loss of function.
Breast-ovarian cancer, familial, susceptibility to, 1 (BROVCA1). Also called: OVARIAN CANCER, SUSCEPTIBILITY TO; BRCA1 Hereditary Breast and Ovarian Cancer. Identifiers: Orphanet 145, MedGen C2676676, MONDO:0011450, OMIM 604370. Disease mechanism: loss of function.

Submissions (15):

Evidence-based Network for the Interpretation of Germline Mutant Alleles (ENIGMA)
Classification: Pathogenic for Breast-ovarian cancer, familial 1. Last evaluated: 2015-08-10. Review status: reviewed by expert panel. Criteria: ENIGMA BRCA1/2 Classification Criteria (2015). Collection method: curation. Allele origin: germline.
Comment: IARC class based on posterior probability from multifactorial likelihood analysis, thresholds for class as per Plon et al. 2008 (PMID: 18951446). Class 5 based on posterior probability = 1

Center for Genomic Medicine, Rigshospitalet, Copenhagen University Hospital
Classification: Pathogenic. Last evaluated: 2025-03-04. Review status: criteria provided, single submitter. Criteria: ACMG Guidelines, 2015. Collection method: clinical testing. Allele origin: germline. Not counted in ClinVar's aggregate classification.

Ambry Genetics
Classification: Pathogenic for Hereditary cancer-predisposing syndrome. Last evaluated: 2024-09-12. Review status: criteria provided, single submitter. Criteria: Ambry Variant Classification Scheme 2023. Collection method: clinical testing. Allele origin: germline. Not counted in ClinVar's aggregate classification.
Comment: The c.5153-1G>C intronic pathogenic mutation results from a G to C substitution one nucleotide upstream from coding exon 17 of the BRCA1 gene. This mutation has been previously reported in breast cancer cohorts (D&iacute;ez O et al. Hum Mutat, 2003 Oct;22:301-12; Dorling et al. N Engl J Med. 2021 02;384:428-439). One functional study found that this nucleotide substitution is non-functional in a high-throughput, genome editing, haploid cell survival assay (Findlay GM et al. Nature, 2018 10;562:217-222). Other alterations impacting the same acceptor site (c.5153-1G>A and c.5153-2delA) have been reported in multiple families of various ethnicities affected with breast and/or ovarian cancer and are both predicted to have a deleterious impact on splicing (Kiechle et al. Hum Mutat. 2000 Dec;16(6):529-30; Sinilnikova OM et al. Fam Cancer. 2006;5(1):15-20; Infante M et al. Clin. Genet., 2010 Jan;77:60-9; Sanz DJ et al. Clin. Cancer Res., 2010 Mar;16:1957-67; Pern et al. PLoS One. 2012;7(10):e47993; Wappenschmidt et al. PLoS One. 2012;7(12):e50800; de Juan Jim&eacute;nez I et al. Fam. Cancer, 2013 Dec;12:767-77; Steffensen AY et al. Eur. J. Hum. Genet., 2014 Dec;22:1362-8; Kang E et al. Breast Cancer REs Treat. 2015 May;151(1):157-68; Azzollini J et al. Eur. J. Intern. Med., 2016 Jul;32:65-71). This variant is considered to be rare based on population cohorts in the Genome Aggregation Database (gnomAD). Of note, this alteration is also referred to as 5272-1G>C and IVS18-1G>C in published literature. In silico splice site analysis predicts that this alteration will weaken the native splice acceptor site and may result in the creation or strengthening of a novel splice acceptor site; however, direct evidence is insufficient at this time (Ambry internal data). In addition to the clinical data presented in the literature, alterations that disrupt the canonical splice site are expected to cause aberrant splicing, resulting in an abnormal protein or a transcript that is subject to nonsense-mediated mRNA decay. As such, this alteration is classified as a disease-causing mutation.

Department of Clinical Genetics, Copenhagen University Hospital, Rigshospitalet
Classification: Pathogenic for Breast-ovarian cancer, familial, susceptibility to, 1. Last evaluated: 2024-05-27. Review status: criteria provided, single submitter. Criteria: ACMG Guidelines, 2015. Collection method: clinical testing. Allele origin: germline. Affected: yes. Not counted in ClinVar's aggregate classification.
Comment: PS3; PM2_Supporting; PVS1_Strong (RNA); PP1

Baylor Genetics
Classification: Pathogenic for Breast-ovarian cancer, familial, susceptibility to, 1. Last evaluated: 2023-12-04. Review status: criteria provided, single submitter. Criteria: ACMG Guidelines, 2015. Collection method: clinical testing. Allele origin: unknown. Not counted in ClinVar's aggregate classification.

Labcorp Genetics (formerly Invitae), Labcorp
Classification: Pathogenic for Hereditary breast ovarian cancer syndrome. Last evaluated: 2022-10-26. Review status: criteria provided, single submitter. Criteria: Invitae Variant Classification Sherloc (09022015). Collection method: clinical testing. Allele origin: germline. Not counted in ClinVar's aggregate classification.
Comment: This sequence change affects an acceptor splice site in intron 17 of the BRCA1 gene. RNA analysis indicates that disruption of this splice site induces altered splicing and may result in an absent or disrupted protein product. This variant is not present in population databases (gnomAD no frequency). Disruption of this splice site has been observed in individual(s) with breast cancer and/or ovarian cancer (PMID: 8644702, 11149413, 19912264, 25896959). This variant is also known as 5272-1G>C and IVS18-1G>C. ClinVar contains an entry for this variant (Variation ID: 37643). Based on a multifactorial likelihood algorithm using genetic, in silico, and/or statistical data, this variant has been determined to have a high probability of being pathogenic (PMID: 21990134, 27553291). Studies have shown that disruption of this splice site results in skipping of exon 18 and introduces a premature termination codon (Invitae). The resulting mRNA is expected to undergo nonsense-mediated decay. For these reasons, this variant has been classified as Pathogenic.

Clinical Genetics Laboratory, Skane University Hospital Lund
Classification: Pathogenic. Last evaluated: 2022-10-14. Review status: criteria provided, single submitter. Criteria: ACMG Guidelines, 2015. Collection method: clinical testing. Allele origin: germline. Affected: yes. Not counted in ClinVar's aggregate classification.

Laboratory for Molecular Medicine, Mass General Brigham Personalized Medicine
Classification: Pathogenic for Hereditary breast ovarian cancer syndrome. Last evaluated: 2020-06-19. Review status: criteria provided, single submitter. Criteria: ACMG Guidelines, 2015. Collection method: clinical testing. Allele origin: germline. Not counted in ClinVar's aggregate classification.
Comment: The c.5153-1G>C variant in BRCA1 has been reported in at least 10 individuals with BRCA1-related cancer (first reported by Johannson 1996 PMID: 8644702). It was absent from large population studies. This variant was classified as pathogenic on 08/10/15 by the ClinGen-approved ENIGMA expert panel (Variation ID 37643). This variant occurs within the canonical splice site (+/- 1,2) and is predicted to cause altered splicing leading to an abnormal or absent protein. Loss of function of the BRCA1 gene is an established disease mechanism in autosomal dominant HBOC. In summary, this variant meets criteria to be classified as pathogenic for autosomal dominant HBOC. ACMG/AMP Criteria applied: PVS1, PM2, PS4_Moderate.

Women's Health and Genetics/Laboratory Corporation of America, LabCorp
Classification: Pathogenic for Hereditary breast ovarian cancer syndrome. Last evaluated: 2016-08-29. Review status: criteria provided, single submitter. Criteria: LabCorp Variant Classification Summary - May 2015. Collection method: clinical testing. Allele origin: germline. Not counted in ClinVar's aggregate classification.
Comment: Variant summary: The BRCA1 c.5153-1G>C variant involves the alteration of a conserved intronic nucleotide located in a known splice site with 5/5 splice prediction tools predict the loss of a splice site, although these predictions have yet to be functionally assessed. The variant of interest has not been observed in controls (ExAC, 1000 Gs, or ESP) and has been reported in multiple affected individuals. In addition, multiple reputable databases/clinical laboratories cite the variant as "pathogenic." Therefore, the variant of interest has been classified as Pathogenic.

Consortium of Investigators of Modifiers of BRCA1/2 (CIMBA), c/o University of Cambridge
Classification: Pathogenic for Breast-ovarian cancer, familial, susceptibility to, 1. Last evaluated: 2015-10-02. Review status: criteria provided, single submitter. Criteria: CIMBA Mutation Classification guidelines May 2016. Collection method: clinical testing. Allele origin: germline. Not counted in ClinVar's aggregate classification.

Quest Diagnostics Nichols Institute San Juan Capistrano
Classification: Pathogenic for Breast-ovarian cancer, familial, susceptibility to, 1. Last evaluated: 2015-02-17. Review status: criteria provided, single submitter. Criteria: Quest Diagnostics criteria. Collection method: clinical testing. Allele origin: germline. Inheritance: Autosomal dominant inheritance. Not counted in ClinVar's aggregate classification.

BRCAlab, Lund University
Classification: Pathogenic for Breast-ovarian cancer, familial, susceptibility to, 1. Last evaluated: 2022-08-26. Review status: no assertion criteria provided. Collection method: clinical testing. Allele origin: germline. Affected: yes. Not counted in ClinVar's aggregate classification.

Sharing Clinical Reports Project (SCRP)
Classification: Likely pathogenic for Breast-ovarian cancer, familial 1. Last evaluated: 2007-06-13. Review status: no assertion criteria provided. Collection method: clinical testing. Allele origin: germline. Not counted in ClinVar's aggregate classification.

Breast Cancer Information Core (BIC) (BRCA1)
Classification: Pathogenic for Breast-ovarian cancer, familial 1. Last evaluated: 1999-12-30. Review status: no assertion criteria provided. Collection method: clinical testing. Allele origin: germline. Affected: yes. Observed: 8 variant alleles. Not counted in ClinVar's aggregate classification.

Brotman Baty Institute, University of Washington
No classification provided (evidence only). Condition: Breast-ovarian cancer, familial 1. Review status: no classification provided. Collection method: in vitro. Allele origin: not applicable. Functional consequence: functionally_abnormal. Not counted in ClinVar's aggregate classification.
ClinVar note: "not provided" was previously submitted as the classification for the variant. However, the classification appeared to be based only on an observation of functional data so it was converted to no classification on 2025-07-30.

Literature cited by the submitters: PubMed 21990134 (cited by 4 submitters); PubMed 29446198 (cited by Center for Genomic Medicine, Rigshospitalet, Copenhagen University Hospital); PubMed 30209399 (cited by Center for Genomic Medicine, Rigshospitalet, Copenhagen University Hospital and Ambry Genetics); PubMed 12955716 (cited by Ambry Genetics and Women's Health and Genetics/Laboratory Corporation of America, LabCorp); PubMed 33471991 (cited by Ambry Genetics); PubMed 8644702 (cited by 3 submitters); PubMed 11149413 (cited by Labcorp Genetics (formerly Invitae), Labcorp and Quest Diagnostics Nichols Institute San Juan Capistrano); PubMed 19912264 (cited by Labcorp Genetics (formerly Invitae), Labcorp); PubMed 25896959 (cited by Labcorp Genetics (formerly Invitae), Labcorp and Women's Health and Genetics/Laboratory Corporation of America, LabCorp); PubMed 27553291 (cited by Labcorp Genetics (formerly Invitae), Labcorp); PubMed 17924331 (cited by Women's Health and Genetics/Laboratory Corporation of America, LabCorp and Quest Diagnostics Nichols Institute San Juan Capistrano); PubMed 10528853 (cited by Women's Health and Genetics/Laboratory Corporation of America, LabCorp); PubMed 26295337 (cited by Quest Diagnostics Nichols Institute San Juan Capistrano).

NM_007294.4(BRCA1):c.5153-1G>C

Gene: BRCA1 (BRCA1 DNA repair associated; minus strand). Cytogenetic location: 17q21.31.
Variant type: single nucleotide variant.
Coding change: c.5153-1G>C on transcript NM_007294.4 (MANE Select); the canonical splice acceptor site of the intron before coding-DNA position 5153, G replaced by C.
Molecular consequence: splice acceptor variant.
Genome position (GRCh38, 1-based): chr17:43,063,374, C>G on the plus strand (G>C on the coding strand, the complement: BRCA1 is on the minus strand). VCF-style: chr17-43063374-C-G. GRCh37 (hg19) VCF-style: chr17-41215391-C-G.
Other names: IVS18-1G>C; c.1700-1G>C (NM_001408458.1, NM_001408461.1, NM_001408464.1 and 7 more transcripts); c.4262-1G>C (NM_001407967.1); c.4772-1G>C (NM_001407959.1); c.4886-1G>C (NM_001407931.1, NM_001407932.1, NM_001407928.1 and 4 more transcripts); c.5009-1G>C (NM_001407747.1, NM_001407745.1, NM_001407737.1 and 21 more transcripts); c.4769-1G>C (NM_001407962.1, NM_001407960.1); c.1340-1G>C (NM_001408512.1); and 73 more.
Identifiers: ClinVar variation 37643 (VCV000037643.75), dbSNP rs80358137, ClinGen allele CA003297.
Genomic context (GRCh38, chr17:43,063,374, plus strand): 5'-TGTAACATCAAGTACTTACCTCATTCAGCATTTTTCTTTCTTTAATAGACTGGGTCACCC[C>G]TAAAGAGATCATAGAAAAGACAGGTTACATACAGCAGAAGAACGTGCTCTTTTCACGGAG-3'